The following is an entry in ClinVar:

ClinVar aggregate classification (germline): Uncertain significance (1 of 4 stars; one submission).

Conditions:
Inborn genetic diseases. Identifiers: MedGen C0950123, MeSH D030342.

Submission:

Ambry Genetics
Classification: Uncertain significance for Inborn genetic diseases. Last evaluated: 2025-01-25. Review status: criteria provided, single submitter. Criteria: Ambry Variant Classification Scheme 2023. Collection method: clinical testing. Allele origin: germline.
Comment: The p.R39L variant (also known as c.116G>T), located in coding exon 1 of the SH2B3 gene, results from a G to T substitution at nucleotide position 116. The arginine at codon 39 is replaced by leucine, an amino acid with dissimilar properties. This amino acid position is conserved. In addition, this alteration is predicted to be tolerated by in silico analysis. Based on the available evidence, the clinical significance of this variant remains unclear.

NM_005475.3(SH2B3):c.116G>T (p.Arg39Leu)

Gene: SH2B3 (SH2B adaptor protein 3; plus strand). Cytogenetic location: 12q24.12.
Variant type: single nucleotide variant.
Coding change: c.116G>T on transcript NM_005475.3 (MANE Select); coding-DNA position 116, G replaced by T.
Protein change: p.Arg39Leu; replaces arginine 39 with leucine.
Molecular consequence: missense variant.
Genome position (GRCh38, 1-based): chr12:111,418,261, G>T. VCF-style: chr12-111418261-G-T. GRCh37 (hg19) VCF-style: chr12-111856065-G-T.
Other names: short protein forms R39L.
Identifiers: ClinVar variation 3795139 (VCV003795139.1).